The following is an entry in ClinVar:

ClinVar aggregate classification (germline): Likely benign. Review status: criteria provided, multiple submitters, no conflicts (2 of 4 stars). 3 submissions from 3 submitters: Likely benign (3). Last evaluated 2025-01-23.

Conditions:
Hereditary nonpolyposis colorectal neoplasms. Identifiers: MedGen C0009405, MeSH D003123.
Hereditary cancer-predisposing syndrome. Also called: Neoplastic Syndromes, Hereditary; Tumor predisposition; Hereditary Cancer Syndrome; Hereditary neoplastic syndrome. Identifiers: Orphanet 140162, MedGen C0027672, MeSH D009386, MONDO:0015356.
Lynch syndrome 4 (LYNCH4). Also called: Colorectal cancer, hereditary nonpolyposis, type 4; Hereditary non-polyposis colorectal cancer, type 4. Identifiers: Orphanet 144, MedGen C1838333, MONDO:0013699, OMIM 614337. Disease mechanism: loss of function.

gnomAD v4.1: 2 of 1,506,308 alleles (0.00013%); highest among the groups gnomAD compares: Non-Finnish European, 0.00018%; no homozygotes.

Submissions (3):

Myriad Genetics, Inc.
Classification: Likely benign for Lynch syndrome 4. Last evaluated: 2025-01-23. Review status: criteria provided, single submitter. Criteria: Myriad Autosomal Dominant, Autosomal Recessive and X-Linked Classification Criteria (2023). Collection method: clinical testing. Allele origin: unknown.
Comment: This variant is considered likely benign. This variant is intronic and is not expected to impact mRNA splicing.

Labcorp Genetics (formerly Invitae), Labcorp
Classification: Likely benign for Hereditary nonpolyposis colorectal neoplasms. Last evaluated: 2022-11-04. Review status: criteria provided, single submitter. Criteria: Invitae Variant Classification Sherloc (09022015). Collection method: clinical testing. Allele origin: germline.

Ambry Genetics
Classification: Likely benign for Hereditary cancer-predisposing syndrome. Last evaluated: 2022-01-10. Review status: criteria provided, single submitter. Criteria: Ambry Variant Classification Scheme 2023. Collection method: clinical testing. Allele origin: germline.

NM_000535.7(PMS2):c.164-4C>T

Gene: PMS2 (PMS1 homolog 2, mismatch repair system component; minus strand). Cytogenetic location: 7p22.1.
Variant type: single nucleotide variant.
Coding change: c.164-4C>T on transcript NM_000535.7 (MANE Select); 4 bases into the intron before coding-DNA position 164, C replaced by T.
Molecular consequence: intron variant.
Genome position (GRCh38, 1-based): chr7:6,004,062, G>A on the plus strand (C>T on the coding strand, the complement: PMS2 is on the minus strand). VCF-style: chr7-6004062-G-A. GRCh37 (hg19) VCF-style: chr7-6043693-G-A.
Other names: c.-52-4C>T (NM_001322008.2, NM_001322007.2); c.-242-4C>T (NM_001322010.2, NM_001322004.2, NM_001322013.2 and 3 more transcripts); c.-721-4C>T (NM_001322012.2, NM_001322011.2); c.-321-4C>T (NM_001322015.2); c.164-4C>T (NM_001322006.2, NM_001322014.2).
Identifiers: ClinVar variation 1777112 (VCV001777112.6), dbSNP rs876658444, ClinGen allele CA2580077196.